The following is an entry in ClinVar:

NM_001367624.2(ZNF469):c.2775A>T (p.Lys925Asn)

Gene: ZNF469 (zinc finger protein 469; plus strand). Cytogenetic location: 16q24.2.
Variant type: single nucleotide variant.
Coding change: c.2775A>T on transcript NM_001367624.2 (MANE Select); coding-DNA position 2775, A replaced by T.
Protein change: p.Lys925Asn; replaces lysine 925 with asparagine.
Molecular consequence: missense variant.
Genome position (GRCh38, 1-based): chr16:88,430,245, A>T. VCF-style: chr16-88430245-A-T. GRCh37 (hg19) VCF-style: chr16-88496653-A-T.
Other names: NM_001127464.1:c.2775A>T; short protein forms K925N.
Identifiers: ClinVar variation 2561859 (VCV002561859.3), dbSNP rs1295018996, ClinGen allele CA397075429.
Genomic context (GRCh38, chr16:88,430,245, plus strand): 5'-GCCGGACCCCCAAACCCCCCGCCCTGGGGACAGGGGCTGCCCAGCCCGAGGCAGGCCCAA[A>T]ACGCGTTCCCTGGGTCTGGCCCCCACCGAGGCGGATGCGCCCAGCCAGGGCAGGCAGCAG-3'
Protein context (NP_001354553.1, residues 915-935): DRGCPARGRP[Lys925Asn]TRSLGLAPTE

ClinVar aggregate classification (germline): Uncertain significance. Review status: criteria provided, multiple submitters, no conflicts (2 of 4 stars). 2 submissions from 2 submitters: Uncertain significance (2). Last evaluated 2025-02-23.

Conditions:
Cardiovascular phenotype. Identifiers: MedGen CN230736.

Allele frequency attached by ClinVar (database versions not stated): gnomAD exomes 0.00001.
gnomAD v4.1: 12 of 1,528,782 alleles (0.00078%); highest among the groups gnomAD compares: Non-Finnish European, 0.00097%; no homozygotes.

Submissions (2):

Labcorp Genetics (formerly Invitae), Labcorp
Classification: Uncertain significance. Last evaluated: 2025-02-23. Review status: criteria provided, single submitter. Criteria: Invitae Variant Classification Sherloc (09022015). Collection method: clinical testing. Allele origin: germline.
Comment: This sequence change replaces lysine, which is basic and polar, with asparagine, which is neutral and polar, at codon 925 of the ZNF469 protein (p.Lys925Asn). This variant is present in population databases (no rsID available, gnomAD 0.002%). This variant has not been reported in the literature in individuals affected with ZNF469-related conditions. ClinVar contains an entry for this variant (Variation ID: 2561859). An algorithm developed to predict the effect of missense changes on protein structure and function outputs the following: PolyPhen-2: "Benign". The asparagine amino acid residue is found in multiple mammalian species, which suggests that this missense change does not adversely affect protein function. In summary, the available evidence is currently insufficient to determine the role of this variant in disease. Therefore, it has been classified as a Variant of Uncertain Significance.

Ambry Genetics
Classification: Uncertain significance for Cardiovascular phenotype. Last evaluated: 2023-05-21. Review status: criteria provided, single submitter. Criteria: Ambry Variant Classification Scheme 2023. Collection method: clinical testing. Allele origin: germline.
Comment: The p.K925N variant (also known as c.2775A>T), located in coding exon 1 of the ZNF469 gene, results from an A to T substitution at nucleotide position 2775. The lysine at codon 925 is replaced by asparagine, an amino acid with similar properties. This amino acid position is conserved. In addition, this alteration is predicted to be tolerated by in silico analysis. Since supporting evidence is limited at this time, the clinical significance of this alteration remains unclear.